The following is an entry in ClinVar:

NM_000751.3(CHRND):c.136G>A (p.Ala46Thr)

Gene: CHRND (cholinergic receptor nicotinic delta subunit; plus strand). Cytogenetic location: 2q37.1.
Variant type: single nucleotide variant.
Coding change: c.136G>A on transcript NM_000751.3 (MANE Select); coding-DNA position 136, G replaced by A.
Protein change: p.Ala46Thr; replaces alanine 46 with threonine.
Molecular consequence: missense variant. On other transcripts: 5 prime UTR variant (2).
Genome position (GRCh38, 1-based): chr2:232,526,612, G>A. VCF-style: chr2-232526612-G-A. GRCh37 (hg19) VCF-style: chr2-233391322-G-A.
Other names: c.136G>A, p.Ala46Thr (NM_001256657.2); c.-136G>A (NM_001311195.2, NM_001311196.2); short protein forms A46T.
Identifiers: ClinVar variation 426311 (VCV000426311.6), dbSNP rs1085307559, ClinGen allele CA350996004.

ClinVar aggregate classification (germline): Uncertain significance. Review status: criteria provided, multiple submitters, no conflicts (2 of 4 stars). 3 submissions from 3 submitters: Uncertain significance (3). Last evaluated 2023-05-22.

Conditions:
Lethal multiple pterygium syndrome (LMPS). Identifiers: Orphanet 33108, MedGen C1854678, MONDO:0009668, OMIM 253290.
Congenital myasthenic syndrome 3A. Also called: Myasthenic syndrome, congenital, 3a, slow-channel. Identifiers: Orphanet 590, MedGen C4225372, MONDO:0014583, OMIM 616321.

Allele frequency attached by ClinVar (database versions not stated): gnomAD 0.00001; TOPMed 0.00002.
gnomAD v4.1: 1 of 1,613,730 alleles (0.000062%); highest among the groups gnomAD compares: Non-Finnish European, 0.000085%; no homozygotes.

Submissions (3):

Labcorp Genetics (formerly Invitae), Labcorp
Classification: Uncertain significance for Lethal multiple pterygium syndrome. Last evaluated: 2023-05-22. Review status: criteria provided, single submitter. Criteria: Invitae Variant Classification Sherloc (09022015). Collection method: clinical testing. Allele origin: germline.
Comment: In summary, the available evidence is currently insufficient to determine the role of this variant in disease. Therefore, it has been classified as a Variant of Uncertain Significance. Advanced modeling of protein sequence and biophysical properties (such as structural, functional, and spatial information, amino acid conservation, physicochemical variation, residue mobility, and thermodynamic stability) performed at Invitae indicates that this missense variant is not expected to disrupt CHRND protein function. ClinVar contains an entry for this variant (Variation ID: 426311). This variant has not been reported in the literature in individuals affected with CHRND-related conditions. This variant is not present in population databases (gnomAD no frequency). This sequence change replaces alanine, which is neutral and non-polar, with threonine, which is neutral and polar, at codon 46 of the CHRND protein (p.Ala46Thr).

Baylor Genetics
Classification: Uncertain significance for Congenital myasthenic syndrome 3A. Last evaluated: 2019-06-10. Review status: criteria provided, single submitter. Criteria: ACMG Guidelines, 2015. Collection method: clinical testing. Allele origin: unknown. Affected: yes.
Comment: This variant was determined to be of uncertain significance according to ACMG Guidelines, 2015 [PMID:25741868].

GeneDx
Classification: Uncertain significance. Last evaluated: 2017-04-20. Review status: criteria provided, single submitter. Criteria: GeneDx Variant Classification (06012015). Collection method: clinical testing. Allele origin: germline. Affected: yes.
Comment: The A46T variant in the CHRND gene has not been reported previously as a pathogenic variant, nor as a benign variant, to our knowledge. The A46T variant is not observed in large population cohorts (Lek et al., 2016; 1000 Genomes Consortium et al., 2015; Exome Variant Server). The A46T variant is a non-conservative amino acid substitution, which is likely to impact secondary protein structure as these residues differ in polarity, charge, size and/or other properties. However, this substitution occurs at a position that is not conserved, and in silico analysis is inconsistent in its predictions as to whether or not the variant is damaging to the protein structure/function. We interpret A46T as a variant of uncertain significance.